The following is an entry in ClinVar:

NM_203447.4(DOCK8):c.604C>T (p.Arg202Cys)

Gene: DOCK8 (dedicator of cytokinesis 8; plus strand). Cytogenetic location: 9p24.3.
Variant type: single nucleotide variant.
Coding change: c.604C>T on transcript NM_203447.4 (MANE Select); coding-DNA position 604, C replaced by T.
Protein change: p.Arg202Cys; replaces arginine 202 with cysteine.
Molecular consequence: missense variant.
Genome position (GRCh38, 1-based): chr9:312,029, C>T. VCF-style: chr9-312029-C-T. GRCh37 (hg19) VCF-style: chr9-312029-C-T.
Other names: c.400C>T, p.Arg134Cys (NM_001190458.2, NM_001193536.2); short protein forms R134C, R202C.
Identifiers: ClinVar variation 834712 (VCV000834712.10), dbSNP rs143243731, ClinGen allele CA4957333.

ClinVar aggregate classification (germline): Uncertain significance (1 of 4 stars; one submission).

Conditions:
Combined immunodeficiency due to DOCK8 deficiency (HIES2). Also called: HIES autosomal recessive; HYPER-IgE SYNDROME 2, AUTOSOMAL RECESSIVE, WITH RECURRENT INFECTIONS; HYPER-IgE RECURRENT INFECTION SYNDROME 2, AUTOSOMAL RECESSIVE; DOCK8 Deficiency; Hyper-IgE recurrent infection syndrome, autosomal recessive. Identifiers: Orphanet 217390, MedGen C4722305, MONDO:0009478, OMIM 243700.

Allele frequency attached by ClinVar (database versions not stated): gnomAD exomes 0.00001 and 0.00002; ExAC 0.00003; TOPMed 0.00005; gnomAD 0.00006; ESP Exome Variant Server 0.00008.

Submission:

Labcorp Genetics (formerly Invitae), Labcorp
Classification: Uncertain significance for Combined immunodeficiency due to DOCK8 deficiency. Last evaluated: 2024-02-24. Review status: criteria provided, single submitter. Criteria: Invitae Variant Classification Sherloc (09022015). Collection method: clinical testing. Allele origin: germline.
Comment: This sequence change replaces arginine, which is basic and polar, with cysteine, which is neutral and slightly polar, at codon 202 of the DOCK8 protein (p.Arg202Cys). This variant is present in population databases (rs143243731, gnomAD 0.02%). This variant has not been reported in the literature in individuals affected with DOCK8-related conditions. ClinVar contains an entry for this variant (Variation ID: 834712). Advanced modeling of protein sequence and biophysical properties (such as structural, functional, and spatial information, amino acid conservation, physicochemical variation, residue mobility, and thermodynamic stability) has been performed at Invitae for this missense variant, however the output from this modeling did not meet the statistical confidence thresholds required to predict the impact of this variant on DOCK8 protein function. In summary, the available evidence is currently insufficient to determine the role of this variant in disease. Therefore, it has been classified as a Variant of Uncertain Significance.